The following is an entry in ClinVar:

ClinVar aggregate classification (germline): Uncertain significance (1 of 4 stars; one submission).

Conditions:
Hereditary cancer-predisposing syndrome. Also called: Neoplastic Syndromes, Hereditary; Tumor predisposition; Hereditary neoplastic syndrome; Hereditary Cancer Syndrome. Identifiers: Orphanet 140162, MedGen C0027672, MeSH D009386, MONDO:0015356.

Allele frequency attached by ClinVar (database versions not stated): gnomAD exomes below 0.00001.
gnomAD v4.1: 1 of 1,613,650 alleles (0.000062%); no homozygotes.

Submission:

Ambry Genetics
Classification: Uncertain significance for Hereditary cancer-predisposing syndrome. Last evaluated: 2024-01-24. Review status: criteria provided, single submitter. Criteria: Ambry Variant Classification Scheme 2023. Collection method: clinical testing. Allele origin: germline.
Comment: The p.D155G variant (also known as c.464A>G), located in coding exon 3 of the SMARCA4 gene, results from an A to G substitution at nucleotide position 464. The aspartic acid at codon 155 is replaced by glycine, an amino acid with similar properties. This amino acid position is well conserved in available vertebrate species. In addition, this alteration is predicted to be tolerated by in silico analysis. Based on the available evidence, the clinical significance of this alteration remains unclear.

NM_003072.5(SMARCA4):c.464A>G (p.Asp155Gly)

Gene: SMARCA4 (SWI/SNF related BAF chromatin remodeling complex subunit ATPase 4; plus strand). Cytogenetic location: 19p13.2.
Variant type: single nucleotide variant.
Coding change: c.464A>G on transcript NM_003072.5 (MANE Select); coding-DNA position 464, A replaced by G.
Protein change: p.Asp155Gly; replaces aspartic acid 155 with glycine.
Molecular consequence: missense variant. On other transcripts: non-coding transcript variant (1).
Genome position (GRCh38, 1-based): chr19:10,986,297, A>G. VCF-style: chr19-10986297-A-G. GRCh37 (hg19) VCF-style: chr19-11096973-A-G.
Other names: c.464A>G, p.Asp155Gly (NM_001128844.3, NM_001128845.2, NM_001128846.2 and 6 more transcripts); short protein forms D155G.
Identifiers: ClinVar variation 3233128 (VCV003233128.1), dbSNP rs2145774789, ClinGen allele CA404056035.